The following is an entry in ClinVar:

NM_003632.3(CNTNAP1):c.3477G>A (p.Val1159=)

Gene: CNTNAP1 (contactin associated protein 1; plus strand). Cytogenetic location: 17q21.2.
Variant type: single nucleotide variant.
Coding change: c.3477G>A on transcript NM_003632.3 (MANE Select); coding-DNA position 3477, G replaced by A.
Protein change: p.Val1159=; no amino-acid change (valine 1159 retained).
Molecular consequence: synonymous variant.
Genome position (GRCh38, 1-based): chr17:42,697,276, G>A. VCF-style: chr17-42697276-G-A. GRCh37 (hg19) VCF-style: chr17-40849294-G-A.
Other names: p.Val1159=.
Identifiers: ClinVar variation 2683423 (VCV002683423.3), dbSNP rs775901839, ClinGen allele CA290767675.

ClinVar aggregate classification (germline): Conflicting classifications of pathogenicity. Review status: criteria provided, conflicting classifications (1 of 4 stars). 2 submissions from 2 submitters: Uncertain significance (1); Likely benign (1). Last evaluated 2024-07-06.

Allele frequency attached by ClinVar (database versions not stated): gnomAD 0.00001; TOPMed 0.00001.
gnomAD v4.1: 7 of 1,611,790 alleles (0.00043%); highest among the groups gnomAD compares: African/African-American, 0.0013%; no homozygotes.

Submissions (2):

Labcorp Genetics (formerly Invitae), Labcorp
Classification: Likely benign. Last evaluated: 2024-07-06. Review status: criteria provided, single submitter. Criteria: Invitae Variant Classification Sherloc (09022015). Collection method: clinical testing. Allele origin: germline.

Mayo Clinic Laboratories, Mayo Clinic
Classification: Uncertain significance. Last evaluated: 2023-05-30. Review status: criteria provided, single submitter. Criteria: ACMG Guidelines, 2015. Collection method: clinical testing. Allele origin: germline. Observed: 1 variant allele.
Comment: PM2